The following is an entry in ClinVar:

NM_004260.4(RECQL4):c.392G>A (p.Gly131Glu)

Gene: RECQL4 (RecQ like helicase 4; minus strand). Cytogenetic location: 8q24.3.
Variant type: single nucleotide variant.
Coding change: c.392G>A on transcript NM_004260.4 (MANE Select); coding-DNA position 392, G replaced by A.
Protein change: p.Gly131Glu; replaces glycine 131 with glutamic acid.
Molecular consequence: missense variant.
Genome position (GRCh38, 1-based): chr8:144,516,727, C>T on the plus strand (G>A on the coding strand, the complement: RECQL4 is on the minus strand). VCF-style: chr8-144516727-C-T. GRCh37 (hg19) VCF-style: chr8-145742111-C-T.
Other names: short protein forms G131E.
Identifiers: ClinVar variation 528944 (VCV000528944.11), dbSNP rs542844885, ClinGen allele CA4949306.

ClinVar aggregate classification (germline): Uncertain significance. Review status: criteria provided, multiple submitters, no conflicts (2 of 4 stars). 2 submissions from 2 submitters: Uncertain significance (2). Last evaluated 2025-10-27.

Conditions:
Inborn genetic diseases. Identifiers: MedGen C0950123, MeSH D030342.
Baller-Gerold syndrome (BGS). Also called: CRANIOSYNOSTOSIS WITH RADIAL DEFECTS. Identifiers: Orphanet 1225, MedGen C0265308, MONDO:0009039, OMIM 218600.

Allele frequency attached by ClinVar (database versions not stated): ExAC 0.00002; gnomAD exomes 0.00004; gnomAD 0.00008 and 0.00009; TOPMed 0.00011; 1000 Genomes Project 0.00020; 1000 Genomes Project 30x 0.00031.
gnomAD v4.1: 45 of 1,535,250 alleles (0.0029%); highest among the groups gnomAD compares: African/African-American, 0.035%; no homozygotes.

Submissions (2):

Labcorp Genetics (formerly Invitae), Labcorp
Classification: Uncertain significance for Baller-Gerold syndrome. Last evaluated: 2025-10-27. Review status: criteria provided, single submitter. Criteria: Invitae Variant Classification Sherloc (09022015). Collection method: clinical testing. Allele origin: germline.
Comment: This sequence change replaces glycine, which is neutral and non-polar, with glutamic acid, which is acidic and polar, at codon 131 of the RECQL4 protein (p.Gly131Glu). This variant is present in population databases (rs542844885, gnomAD 0.03%). This variant has not been reported in the literature in individuals affected with RECQL4-related conditions. ClinVar contains an entry for this variant (Variation ID: 528944). Invitae Evidence Modeling of protein sequence and biophysical properties (such as structural, functional, and spatial information, amino acid conservation, physicochemical variation, residue mobility, and thermodynamic stability) indicates that this missense variant is not expected to disrupt RECQL4 protein function with a negative predictive value of 80%. In summary, the available evidence is currently insufficient to determine the role of this variant in disease. Therefore, it has been classified as a Variant of Uncertain Significance.

Ambry Genetics
Classification: Uncertain significance for Inborn genetic diseases. Last evaluated: 2024-11-18. Review status: criteria provided, single submitter. Criteria: Ambry Variant Classification Scheme 2023. Collection method: clinical testing. Allele origin: germline.
Comment: The p.G131E variant (also known as c.392G>A), located in coding exon 5 of the RECQL4 gene, results from a G to A substitution at nucleotide position 392. The glycine at codon 131 is replaced by glutamic acid, an amino acid with similar properties. This amino acid position is conserved. In addition, this alteration is predicted to be tolerated by in silico analysis. Based on the available evidence, the clinical significance of this variant remains unclear.